The following is an entry in ClinVar:

NM_004360.5(CDH1):c.1321-36C>T

Gene: CDH1 (cadherin 1; plus strand). Cytogenetic location: 16q22.1.
Variant type: single nucleotide variant.
Coding change: c.1321-36C>T on transcript NM_004360.5 (MANE Select); 36 bases into the intron before coding-DNA position 1321, C replaced by T.
Molecular consequence: intron variant.
Genome position (GRCh38, 1-based): chr16:68,815,479, C>T. VCF-style: chr16-68815479-C-T. GRCh37 (hg19) VCF-style: chr16-68849382-C-T.
Other names: c.-228-36C>T (NM_001317185.2); c.-499-36C>T (NM_001317186.2); c.1138-36C>T (NM_001317184.2).
Identifiers: ClinVar variation 2502954 (VCV002502954.2), dbSNP rs139324299, ClinGen allele CA8130063.

ClinVar aggregate classification (germline): Benign. Review status: criteria provided, multiple submitters, no conflicts (2 of 4 stars). 2 submissions from 2 submitters: Benign (2). Last evaluated 2025-03-04.

Conditions:
Hereditary diffuse gastric adenocarcinoma (HDGC). Also called: DIFFUSE GASTRIC AND LOBULAR BREAST CANCER SYNDROME. Identifiers: Orphanet 26106, MedGen C1708349, MONDO:0007648, OMIM 137215.

Allele frequency attached by ClinVar (database versions not stated): TOPMed 0.00018; gnomAD 0.00030; gnomAD exomes 0.00043; ExAC 0.00052; 1000 Genomes Project 30x 0.00125; 1000 Genomes Project 0.00140.
gnomAD v4.1: 662 of 1,613,562 alleles (0.041%); highest among the groups gnomAD compares: East Asian, 1.3%; 7 homozygotes.

Submissions (2):

Center for Genomic Medicine, Rigshospitalet, Copenhagen University Hospital
Classification: Benign. Last evaluated: 2025-03-04. Review status: criteria provided, single submitter. Criteria: ACMG Guidelines, 2015. Collection method: clinical testing. Allele origin: germline.

European Reference Network on Genetic Tumour Risk Syndromes (ERN-GENTURIS), i3s - Instituto de Investigação e Inovação em Saúde, University of Porto
Classification: Benign for Hereditary diffuse gastric adenocarcinoma. Last evaluated: 2022-08-01. Review status: criteria provided, single submitter. Criteria: Lee et al. (Hum Mutat. 2018). Collection method: clinical testing. Allele origin: germline. Inheritance: Autosomal dominant inheritance. Affected: yes. Study: ERN GENTURIS.
Comment: BA1 (PMID: 30311375)

Literature cited by the submitters: PubMed 36436516 (cited by European Reference Network on Genetic Tumour Risk Syndromes (ERN-GENTURIS), i3s - Instituto de Investigação e Inovação em Saúde, University of Porto).